The following is an entry in ClinVar:

ClinVar aggregate classification (germline): Uncertain significance (1 of 4 stars; one submission).

Conditions:
Melnick-Needles syndrome (MNS). Also called: MELNICK-NEEDLES OSTEODYSPLASTY; Melnick-Needles Syndrome (FLNA-MNS); OSTEODYSPLASTY OF MELNICK AND NEEDLES. Identifiers: Orphanet 2484, MedGen C0025237, MONDO:0010650, OMIM 309350.
Frontometaphyseal dysplasia (FMD1). Identifiers: Orphanet 1826, MedGen C0265293, MONDO:0015942.
Heterotopia, periventricular, X-linked dominant (PVNH1). Also called: PERIVENTRICULAR NODULAR HETEROTOPIA 1; X-linked periventricular heterotopia; PERIVENTRICULAR NODULAR HETEROTOPIA 4; HETEROTOPIA, PERIVENTRICULAR, 1. Identifiers: Orphanet 2149, Orphanet 82004, MedGen C1848213, MONDO:0010233, OMIM 300049.
Oto-palato-digital syndrome, type II (OPD2). Also called: FACIOPALATOOSSEOUS SYNDROME; Otopalatodigital Syndrome Type 2 (FLNA-OPD2); OPD II SYNDROME; Otopalatodigital Syndrome, Type II. Identifiers: Orphanet 669, Orphanet 90652, MedGen C1844696, MONDO:0010571, OMIM 304120.

Submission:

Labcorp Genetics (formerly Invitae), Labcorp
Classification: Uncertain significance for Oto-palato-digital syndrome, type II; Heterotopia, periventricular, X-linked dominant; Frontometaphyseal dysplasia; Melnick-Needles syndrome. Last evaluated: 2021-07-21. Review status: criteria provided, single submitter. Criteria: Invitae Variant Classification Sherloc (09022015). Collection method: clinical testing. Allele origin: germline.
Comment: This variant is not present in population databases (ExAC no frequency). This sequence change replaces valine with methionine at codon 1777 of the FLNA protein (p.Val1777Met). The valine residue is highly conserved and there is a small physicochemical difference between valine and methionine. This variant has not been reported in the literature in individuals affected with FLNA-related conditions. In summary, the available evidence is currently insufficient to determine the role of this variant in disease. Therefore, it has been classified as a Variant of Uncertain Significance. Advanced modeling of protein sequence and biophysical properties (such as structural, functional, and spatial information, amino acid conservation, physicochemical variation, residue mobility, and thermodynamic stability) performed at Invitae indicates that this missense variant is not expected to disrupt FLNA protein function.

NM_001110556.2(FLNA):c.5353G>A (p.Val1785Met)

Gene: FLNA (filamin A; minus strand). Cytogenetic location: Xq28.
Variant type: single nucleotide variant.
Coding change: c.5353G>A on transcript NM_001110556.2 (MANE Select); coding-DNA position 5353, G replaced by A.
Protein change: p.Val1785Met; replaces valine 1785 with methionine.
Molecular consequence: missense variant.
Genome position (GRCh38, 1-based): chrX:154,354,444, C>T on the plus strand (G>A on the coding strand, the complement: FLNA is on the minus strand). VCF-style: chrX-154354444-C-T. GRCh37 (hg19) VCF-style: chrX-153582812-C-T.
Other names: c.5329G>A, p.Val1777Met (NM_001456.4); short protein forms V1777M, V1785M.
Identifiers: ClinVar variation 1425456 (VCV001425456.8), dbSNP rs2148106780, ClinGen allele CA415205627.